The following is an entry in ClinVar:

NM_001626.6(AKT2):c.667G>A (p.Asp223Asn)

Gene: AKT2 (AKT serine/threonine kinase 2; minus strand). Cytogenetic location: 19q13.2.
Variant type: single nucleotide variant.
Coding change: c.667G>A on transcript NM_001626.6 (MANE Select); coding-DNA position 667, G replaced by A.
Protein change: p.Asp223Asn; replaces aspartic acid 223 with asparagine.
Molecular consequence: missense variant.
Genome position (GRCh38, 1-based): chr19:40,238,946, C>T on the plus strand (G>A on the coding strand, the complement: AKT2 is on the minus strand). VCF-style: chr19-40238946-C-T. GRCh37 (hg19) VCF-style: chr19-40744853-C-T.
Other names: c.481G>A, p.Asp161Asn (NM_001243027.3, NM_001243028.3); c.667G>A, p.Asp223Asn (NM_001330511.1); short protein forms D223N, D161N.
Identifiers: ClinVar variation 4986759 (VCV004986759.1).
Genomic context (GRCh38, chr19:40,238,946, plus strand): 5'-CAAGGCAGCCGCGGCTCACCTCACCCCCGTTGGCATACTCCATCACAAAGCACAGGCGGT[C>T]GTGGGTCTGGAAGGCATACTTCAGCGCCTGGGGGATGAAGGCAGCAGGGTGGGAGGTGGG-3'
Protein context (NP_001617.1, residues 213-233): TALKYAFQTH[Asp223Asn]RLCFVMEYAN

ClinVar aggregate classification (germline): Uncertain significance (1 of 4 stars; one submission).

Conditions:
AKT2-related disorder. Also called: AKT2-related condition.

gnomAD v4.1: 10 of 1,613,508 alleles (0.00062%); highest among the groups gnomAD compares: South Asian, 0.0066%; no homozygotes.

Submission:

PreventionGenetics, part of Exact Sciences
Classification: Uncertain significance for AKT2-related condition. Last evaluated: 2026-06-17. Review status: criteria provided, single submitter. Criteria: ACMG Guidelines, 2015. Collection method: clinical testing. Allele origin: germline.
Comment: The AKT2 c.667G>A variant is predicted to result in the amino acid substitution p.Asp223Asn. To our knowledge, this variant has not been reported in the literature. This variant is reported in 0.0098% of alleles in individuals of South Asian descent in gnomAD. At this time, the clinical significance of this variant is uncertain due to the absence of conclusive functional and genetic evidence.